The following is an entry in ClinVar:

NM_006648.4(WNK2):c.1844C>A (p.Thr615Asn)

Gene: WNK2 (WNK lysine deficient protein kinase 2; plus strand). Cytogenetic location: 9q22.31.
Variant type: single nucleotide variant.
Coding change: c.1844C>A on transcript NM_006648.4 (MANE Select); coding-DNA position 1844, C replaced by A.
Protein change: p.Thr615Asn; replaces threonine 615 with asparagine.
Molecular consequence: missense variant.
Genome position (GRCh38, 1-based): chr9:93,252,892, C>A. VCF-style: chr9-93252892-C-A. GRCh37 (hg19) VCF-style: chr9-96015174-C-A.
Other names: c.1844C>A, p.Thr615Asn (NM_001282394.3); short protein forms T615N.
Identifiers: ClinVar variation 3470277 (VCV003470277.1).

ClinVar aggregate classification (germline): Uncertain significance (1 of 4 stars; one submission).

Submission:

Ambry Genetics
Classification: Uncertain significance. Last evaluated: 2024-11-21. Review status: criteria provided, single submitter. Criteria: Ambry Variant Classification Scheme 2023. Collection method: clinical testing. Allele origin: germline.
Comment: The p.T615N variant (also known as c.1844C>A), located in coding exon 8 of the WNK2 gene, results from a C to A substitution at nucleotide position 1844. The threonine at codon 615 is replaced by asparagine, an amino acid with similar properties. This amino acid position is conserved. In addition, this alteration is predicted to be tolerated by in silico analysis. Based on the available evidence, the clinical significance of this variant remains unclear.